The following is an entry in ClinVar:

ClinVar aggregate classification (germline): Uncertain significance (1 of 4 stars; one submission).

Conditions:
C1Q deficiency. Identifiers: MedGen C3150902, MONDO:0013343.

Submission:

Neuberg Centre For Genomic Medicine, NCGM
Classification: Uncertain significance for C1Q deficiency 1. Review status: criteria provided, single submitter. Criteria: ACMG Guidelines, 2015. Collection method: clinical testing. Allele origin: germline. Inheritance: Autosomal recessive inheritance. Affected: yes.
Comment: The inframe deletion c.647_649del (p.Glu216del) in C1QC gene has not been reported previously as a pathogenic variant nor as a benign variant, to our knowledge. The p.Glu216del variant is novel (not in any individuals) in gnomAD exomes and 1000 Genomes. This variant has not been reported to the ClinVar database. This p.Glu216del causes deletion of amino acid Glutamic Acid at position 216. The observed variant is not in repeat region. Since the variant is an inframe deletion,it has been classified as Uncertain Significance (VUS).

NM_172369.5(C1QC):c.644AGG[1] (p.Glu216del)

Gene: C1QC (complement C1q C chain; plus strand). Cytogenetic location: 1p36.12.
Variant type: Microsatellite.
Coding change: c.644AGG[1] on transcript NM_172369.5 (MANE Select); one copy of the 3-base unit AGG starting at c.644; the reference has two copies in a row; one copy, 3 bases deleted; also written c.647_649del.
Protein change: p.Glu216del; deletes glutamic acid 216.
Molecular consequence: inframe deletion.
Genome position (GRCh38, 1-based): chr1:22,647,692-22,647,694, AGG deleted; deleting any 3 consecutive bases within chr1:22,647,688-22,647,694 gives the same sequence; the position shown is the placement nearest the transcript's 3' end. VCF-style (leftmost placement, unchanged base first): chr1-22647687-CGAG-C. GRCh37 (hg19) VCF-style: chr1-22974180-CGAG-C.
Other names: c.644AGG[1], p.Glu216del (NM_001114101.3, NM_001347619.2); c.377AGG[1], p.Glu127del (NM_001347620.2); c.647_649del (NM_172369.5); short protein forms E216del, E127del.
Identifiers: ClinVar variation 2584937 (VCV002584937.1), dbSNP rs2522228126, ClinGen allele CA2582341897.